The following is an entry in ClinVar:

NM_001365999.1(SZT2):c.7652G>A (p.Arg2551Gln)

Gene: SZT2 (SZT2 subunit of KICSTOR complex; plus strand). Cytogenetic location: 1p34.2.
Variant type: single nucleotide variant.
Coding change: c.7652G>A on transcript NM_001365999.1 (MANE Select); coding-DNA position 7652, G replaced by A.
Protein change: p.Arg2551Gln; replaces arginine 2551 with glutamine.
Molecular consequence: missense variant.
Genome position (GRCh38, 1-based): chr1:43,441,728, G>A. VCF-style: chr1-43441728-G-A. GRCh37 (hg19) VCF-style: chr1-43907399-G-A.
Other names: c.7481G>A, p.Arg2494Gln (NM_015284.4); c.7481G>A (NM_015284.3); short protein forms R2494Q, R2551Q.
Identifiers: ClinVar variation 2224704 (VCV002224704.6), dbSNP rs536421705, ClinGen allele CA810288.

ClinVar aggregate classification (germline): Uncertain significance. Review status: criteria provided, multiple submitters, no conflicts (2 of 4 stars). 3 submissions from 3 submitters: Uncertain significance (3). Last evaluated 2023-04-11.

Conditions:
Developmental and epileptic encephalopathy, 18 (DEE18). Also called: Early infantile epileptic encephalopathy 18. Identifiers: Orphanet 369894, MedGen C3809624, MONDO:0014201, OMIM 615476.
Inborn genetic diseases. Identifiers: MedGen C0950123, MeSH D030342.

Allele frequency attached by ClinVar (database versions not stated): gnomAD exomes below 0.00001; ExAC 0.00002; gnomAD 0.00002; TOPMed 0.00003; 1000 Genomes Project 30x 0.00016; 1000 Genomes Project 0.00020.
gnomAD v4.1: 10 of 1,614,108 alleles (0.00062%); highest among the groups gnomAD compares: African/African-American, 0.0013%; no homozygotes.

Submissions (3):

Genome-Nilou Lab
Classification: Uncertain significance for Developmental and epileptic encephalopathy, 18. Last evaluated: 2023-04-11. Review status: criteria provided, single submitter. Criteria: ACMG Guidelines, 2015. Collection method: clinical testing. Allele origin: germline. Affected: no.

Labcorp Genetics (formerly Invitae), Labcorp
Classification: Uncertain significance. Last evaluated: 2022-10-17. Review status: criteria provided, single submitter. Criteria: Invitae Variant Classification Sherloc (09022015). Collection method: clinical testing. Allele origin: germline.
Comment: This sequence change replaces arginine, which is basic and polar, with glutamine, which is neutral and polar, at codon 2494 of the SZT2 protein (p.Arg2494Gln). This variant is present in population databases (rs536421705, gnomAD 0.01%). This variant has not been reported in the literature in individuals affected with SZT2-related conditions. Advanced modeling of protein sequence and biophysical properties (such as structural, functional, and spatial information, amino acid conservation, physicochemical variation, residue mobility, and thermodynamic stability) performed at Invitae indicates that this missense variant is not expected to disrupt SZT2 protein function. In summary, the available evidence is currently insufficient to determine the role of this variant in disease. Therefore, it has been classified as a Variant of Uncertain Significance.

Ambry Genetics
Classification: Uncertain significance for Inborn genetic diseases. Last evaluated: 2021-08-17. Review status: criteria provided, single submitter. Criteria: Ambry Variant Classification Scheme 2023. Collection method: clinical testing. Allele origin: germline.